The following is an entry in ClinVar:

NM_020975.6(RET):c.524G>T (p.Arg175Leu)

Gene: RET (ret proto-oncogene; plus strand). Cytogenetic location: 10q11.21.
Variant type: single nucleotide variant.
Coding change: c.524G>T on transcript NM_020975.6 (MANE Select); coding-DNA position 524, G replaced by T.
Protein change: p.Arg175Leu; replaces arginine 175 with leucine.
Molecular consequence: missense variant.
Genome position (GRCh38, 1-based): chr10:43,102,528, G>T. VCF-style: chr10-43102528-G-T. GRCh37 (hg19) VCF-style: chr10-43597976-G-T.
Other names: c.524G>T, p.Arg175Leu (NM_000323.2, NM_001406743.1, NM_001406744.1 and 16 more transcripts); c.395G>T, p.Arg132Leu (NM_001406761.1, NM_001406762.1, NM_001406764.1 and 4 more transcripts); short protein forms R132L, R175L.
Identifiers: ClinVar variation 2113647 (VCV002113647.4), dbSNP rs774097284, ClinGen allele CA376543375.
Genomic context (GRCh38, chr10:43,102,528, plus strand): 5'-CAGCCTGCAGCTCCCTCAAGCCCCGGGAGCTCTGCTTCCCAGAGACAAGGCCCTCCTTCC[G>T]CATTCGGGAGAACCGACCCCCAGGCACCTTCCACCAGTTCCGCCTGCTGCCTGTGCAGTT-3'
Protein context (NP_066124.1, residues 165-185): LCFPETRPSF[Arg175Leu]IRENRPPGTF

ClinVar aggregate classification (germline): Uncertain significance (1 of 4 stars; one submission).

Conditions:
Multiple endocrine neoplasia, type 2 (MEN2). Identifiers: Orphanet 653, MedGen C4048306, MONDO:0019003. Disease mechanism: gain of function.

Submission:

Labcorp Genetics (formerly Invitae), Labcorp
Classification: Uncertain significance for Multiple endocrine neoplasia, type 2. Last evaluated: 2022-03-18. Review status: criteria provided, single submitter. Criteria: Invitae Variant Classification Sherloc (09022015). Collection method: clinical testing. Allele origin: germline.
Comment: This sequence change replaces arginine, which is basic and polar, with leucine, which is neutral and non-polar, at codon 175 of the RET protein (p.Arg175Leu). This variant is not present in population databases (gnomAD no frequency). This variant has not been reported in the literature in individuals affected with RET-related conditions. Algorithms developed to predict the effect of missense changes on protein structure and function are either unavailable or do not agree on the potential impact of this missense change (SIFT: "Tolerated"; PolyPhen-2: "Possibly Damaging"; Align-GVGD: "Class C0"). In summary, the available evidence is currently insufficient to determine the role of this variant in disease. Therefore, it has been classified as a Variant of Uncertain Significance.